The following is an entry in ClinVar:

NM_000038.6(APC):c.7145C>A (p.Thr2382Lys)

Gene: APC (APC regulator of Wnt signaling pathway; plus strand). Cytogenetic location: 5q22.2.
Variant type: single nucleotide variant.
Coding change: c.7145C>A on transcript NM_000038.6 (MANE Select); coding-DNA position 7145, C replaced by A.
Protein change: p.Thr2382Lys; replaces threonine 2382 with lysine.
Molecular consequence: missense variant. On other transcripts: non-coding transcript variant (2).
Genome position (GRCh38, 1-based): chr5:112,842,739, C>A. VCF-style: chr5-112842739-C-A. GRCh37 (hg19) VCF-style: chr5-112178436-C-A.
Other names: c.7022C>A, p.Thr2341Lys (NM_001354900.2); c.6968C>A, p.Thr2323Lys (NM_001354901.2, NM_001407453.1); c.6872C>A, p.Thr2291Lys (NM_001354902.2); c.6842C>A, p.Thr2281Lys (NM_001354903.2, NM_001407458.1, NM_001407459.1 and 1 more transcripts); c.6767C>A, p.Thr2256Lys (NM_001354904.2); c.6665C>A, p.Thr2222Lys (NM_001354905.2); c.6296C>A, p.Thr2099Lys (NM_001354906.2, NM_001407470.1); c.7229C>A, p.Thr2410Lys (NM_001407446.1); and 11 more; short protein forms T2256K, T2281K, T2354K, T2364K, T2372K, T2099K, T2253K, T2323K.
Identifiers: ClinVar variation 4120648 (VCV004120648.1).

ClinVar aggregate classification (germline): Uncertain significance (1 of 4 stars; one submission).

Conditions:
Hereditary cancer-predisposing syndrome. Also called: Hereditary neoplastic syndrome; Neoplastic Syndromes, Hereditary; Tumor predisposition; Hereditary Cancer Syndrome. Identifiers: Orphanet 140162, MedGen C0027672, MeSH D009386, MONDO:0015356.

Submission:

Ambry Genetics
Classification: Uncertain significance for Hereditary cancer-predisposing syndrome. Last evaluated: 2025-06-28. Review status: criteria provided, single submitter. Criteria: Ambry Variant Classification Scheme 2023. Collection method: clinical testing. Allele origin: germline.
Comment: The p.T2382K variant (also known as c.7145C>A), located in coding exon 15 of the APC gene, results from a C to A substitution at nucleotide position 7145. The threonine at codon 2382 is replaced by lysine, an amino acid with similar properties. This amino acid position is conserved. In addition, in silico predictors for this gene do not accurately predict pathogenicity. Based on the available evidence, the clinical significance of this variant remains unclear.